The following is an entry in ClinVar:

NM_001349338.3(FOXP1):c.1056G>C (p.Glu352Asp)

Gene: FOXP1 (forkhead box P1; minus strand). Cytogenetic location: 3p13.
Variant type: single nucleotide variant.
Coding change: c.1056G>C on transcript NM_001349338.3 (MANE Select); coding-DNA position 1056, G replaced by C.
Protein change: p.Glu352Asp; replaces glutamic acid 352 with aspartic acid.
Molecular consequence: missense variant.
Genome position (GRCh38, 1-based): chr3:71,000,978, C>G on the plus strand (G>C on the coding strand, the complement: FOXP1 is on the minus strand). VCF-style: chr3-71000978-C-G. GRCh37 (hg19) VCF-style: chr3-71050129-C-G.
Other names: c.1056G>C, p.Glu352Asp (NM_001244808.3, NM_001244810.2, NM_001244814.3 and 3 more transcripts); c.828G>C, p.Glu276Asp (NM_001244812.3); c.756G>C, p.Glu252Asp (NM_001244813.3, NM_001244815.2, NM_001349342.3 and 1 more transcripts); c.753G>C, p.Glu251Asp (NM_001349337.2, NM_001349343.3, NM_001349344.3); c.1053G>C, p.Glu351Asp (NM_001349341.3); short protein forms E352D, E276D, E251D, E252D, E351D.
Identifiers: ClinVar variation 4742465 (VCV004742465.1).

ClinVar aggregate classification (germline): Uncertain significance (1 of 4 stars; one submission).

Submission:

Labcorp Genetics (formerly Invitae), Labcorp
Classification: Uncertain significance. Last evaluated: 2025-09-10. Review status: criteria provided, single submitter. Criteria: Invitae Variant Classification Sherloc (09022015). Collection method: clinical testing. Allele origin: germline.
Comment: This sequence change replaces glutamic acid, which is acidic and polar, with aspartic acid, which is acidic and polar, at codon 352 of the FOXP1 protein (p.Glu352Asp). This variant is not present in population databases (gnomAD no frequency). This variant has not been reported in the literature in individuals affected with FOXP1-related conditions. Invitae Evidence Modeling of protein sequence and biophysical properties (such as structural, functional, and spatial information, amino acid conservation, physicochemical variation, residue mobility, and thermodynamic stability) indicates that this missense variant is expected to disrupt FOXP1 protein function with a positive predictive value of 80%. In summary, the available evidence is currently insufficient to determine the role of this variant in disease. Therefore, it has been classified as a Variant of Uncertain Significance.